The following is an entry in ClinVar:

ClinVar aggregate classification (germline): Uncertain significance. Review status: criteria provided, multiple submitters, no conflicts (2 of 4 stars). 3 submissions from 3 submitters: Uncertain significance (3). Last evaluated 2022-02-07.

Conditions:
Familial thoracic aortic aneurysm and aortic dissection (TAAD). Also called: Thoracic aortic aneurysms and dissections. Identifiers: Orphanet 91387, MedGen C4707243, MONDO:0019625.

Submissions (3):

GeneDx
Classification: Uncertain significance. Last evaluated: 2022-02-07. Review status: criteria provided, single submitter. Criteria: GeneDx Variant Classification Process June 2021. Collection method: clinical testing. Allele origin: germline. Affected: yes.
Comment: Has not been previously published as pathogenic or benign to our knowledge; Not observed in large population cohorts (gnomAD); In silico analysis supports that this missense variant has a deleterious effect on protein structure/function; Reported in ClinVar as a variant of uncertain significance (ClinVar Variant ID 618846; ClinVar)

Ambry Genetics
Classification: Uncertain significance for Familial thoracic aortic aneurysm and aortic dissection. Last evaluated: 2021-09-01. Review status: criteria provided, single submitter. Criteria: Ambry Variant Classification Scheme 2023. Collection method: clinical testing. Allele origin: germline.

ARUP Laboratories, Molecular Genetics and Genomics, ARUP Laboratories
Classification: Uncertain significance. Last evaluated: 2017-08-27. Review status: criteria provided, single submitter. Criteria: ARUP Molecular Germline Variant Investigation Process. Collection method: clinical testing. Allele origin: germline.

NM_006258.4(PRKG1):c.1528C>G (p.Arg510Gly)

Gene: PRKG1 (protein kinase cGMP-dependent 1; plus strand). Cytogenetic location: 10q21.1.
Variant type: single nucleotide variant.
Coding change: c.1528C>G on transcript NM_006258.4 (MANE Select); coding-DNA position 1528, C replaced by G.
Protein change: p.Arg510Gly; replaces arginine 510 with glycine.
Molecular consequence: missense variant.
Genome position (GRCh38, 1-based): chr10:52,280,913, C>G. VCF-style: chr10-52280913-C-G. GRCh37 (hg19) VCF-style: chr10-54040673-C-G.
Other names: c.1528C>G, p.Arg510Gly (LRG_1135t1); c.1483C>G, p.Arg495Gly (LRG_1135t2, NM_001098512.3); short protein forms R495G, R510G.
Identifiers: ClinVar variation 618846 (VCV000618846.11), dbSNP rs1564544146, ClinGen allele CA376535108.